The following is an entry in ClinVar:

NM_015425.6(POLR1A):c.1996G>A (p.Gly666Arg)

Gene: POLR1A (RNA polymerase I subunit A; minus strand). Cytogenetic location: 2p11.2.
Variant type: single nucleotide variant.
Coding change: c.1996G>A on transcript NM_015425.6 (MANE Select); coding-DNA position 1996, G replaced by A.
Protein change: p.Gly666Arg; replaces glycine 666 with arginine.
Molecular consequence: missense variant.
Genome position (GRCh38, 1-based): chr2:86,065,336, C>T on the plus strand (G>A on the coding strand, the complement: POLR1A is on the minus strand). VCF-style: chr2-86065336-C-T. GRCh37 (hg19) VCF-style: chr2-86292459-C-T.
Other names: short protein forms G666R.
Identifiers: ClinVar variation 2003048 (VCV002003048.4), dbSNP rs2466404155, ClinGen allele CA347545798.

ClinVar aggregate classification (germline): Uncertain significance (1 of 4 stars; one submission).

Submission:

Labcorp Genetics (formerly Invitae), Labcorp
Classification: Uncertain significance. Last evaluated: 2023-08-04. Review status: criteria provided, single submitter. Criteria: Invitae Variant Classification Sherloc (09022015). Collection method: clinical testing. Allele origin: germline.
Comment: Advanced modeling of protein sequence and biophysical properties (such as structural, functional, and spatial information, amino acid conservation, physicochemical variation, residue mobility, and thermodynamic stability) performed at Invitae indicates that this missense variant is expected to disrupt POLR1A protein function. In summary, the available evidence is currently insufficient to determine the role of this variant in disease. Therefore, it has been classified as a Variant of Uncertain Significance. ClinVar contains an entry for this variant (Variation ID: 2003048). This variant has not been reported in the literature in individuals affected with POLR1A-related conditions. This variant is not present in population databases (gnomAD no frequency). This sequence change replaces glycine, which is neutral and non-polar, with arginine, which is basic and polar, at codon 666 of the POLR1A protein (p.Gly666Arg).